The following is an entry in ClinVar:

ClinVar aggregate classification (germline): Conflicting classifications of pathogenicity. Review status: criteria provided, conflicting classifications (1 of 4 stars). 2 submissions from 2 submitters: Likely pathogenic, low penetrance (1); Uncertain significance (1). Last evaluated 2025-10-02.

Conditions:
Factor H deficiency (CFHD). Also called: COMPLEMENT FACTOR H DEFICIENCY; CFH DEFICIENCY. Identifiers: Orphanet 200421, MedGen C0398777, MONDO:0012350, OMIM 609814.
Atypical hemolytic-uremic syndrome. Identifiers: Orphanet 2134, MedGen C2931788, MONDO:0016244.

Submissions (2):

Genomenon, Inc
Classification: Likely pathogenic, low penetrance for Atypical hemolytic-uremic syndrome. Last evaluated: 2025-10-02. Review status: criteria provided, single submitter. Criteria: Genomenon Sequence Variant Interpretation Standards - Updated. Collection method: curation. Allele origin: germline. Affected: yes.
Comment: CFH p.Cys1077Trp (c.3231T>G) is a missense variant that changes the amino acid at residue 1077 from Cysteine to Tryptophan. This variant has been observed in at least one proband affected with atypical hemolytic-uremic syndrome (PMID:33213850;17295030). It has been observed in trans with a pathogenic variant (PMID:17295030). Functional studies have been reported (PMID:34189567). It is absent or not present at a significant frequency in gnomAD. In silico models agree that this variant is possibly or probably damaging. In conclusion, we classify CFH p.Cys1077Trp (c.3231T>G) as a likely pathogenic, low penetrance variant.

3billion
Classification: Uncertain significance for Factor H deficiency. Last evaluated: 2025-03-07. Review status: criteria provided, single submitter. Criteria: ACMG Guidelines, 2015. Collection method: clinical testing. Allele origin: germline. Affected: yes.

Literature cited by the submitters: PubMed 33213850 (cited by Genomenon, Inc); PubMed 17295030 (cited by Genomenon, Inc and 3billion); PubMed 34189567 (cited by Genomenon, Inc); PubMed 29215813 (cited by Genomenon, Inc); PubMed 25443527 (cited by Genomenon, Inc); PubMed 31730685 (cited by Genomenon, Inc); PubMed 21396679 (cited by Genomenon, Inc); PubMed 18070148 (cited by Genomenon, Inc); PubMed 29686068 (cited by Genomenon, Inc); PubMed 19568827 (cited by Genomenon, Inc); PubMed 19856002 (cited by Genomenon, Inc); PubMed 20865645 (cited by Genomenon, Inc).

NM_000186.4(CFH):c.3231T>G (p.Cys1077Trp)

Gene: CFH (complement factor H; plus strand). Cytogenetic location: 1q31.3.
Variant type: single nucleotide variant.
Coding change: c.3231T>G on transcript NM_000186.4 (MANE Select); coding-DNA position 3231, T replaced by G.
Protein change: p.Cys1077Trp; replaces cysteine 1077 with tryptophan.
Molecular consequence: missense variant.
Genome position (GRCh38, 1-based): chr1:196,743,549, T>G. VCF-style: chr1-196743549-T-G. GRCh37 (hg19) VCF-style: chr1-196712679-T-G.
Other names: short protein forms C1077W.
Identifiers: ClinVar variation 4291548 (VCV004291548.2).
Genomic context (GRCh38, chr1:196,743,549, plus strand): 5'-TTATATAGTGTCGAGACAGATGAGTAAATATCCATCTGGTGAGAGAGTACGTTATCAATG[T>G]AGGAGCCCTTATGAAATGTTTGGGGATGAAGAAGTGATGTGTTTAAATGGAAACTGGACG-3'
Protein context (NP_000177.2, residues 1067-1087): YPSGERVRYQ[Cys1077Trp]RSPYEMFGDE